The following is an entry in ClinVar:

NM_004184.4(WARS1):c.1222G>T (p.Glu408Ter)

Gene: WARS1 (tryptophanyl-tRNA synthetase 1; minus strand). Cytogenetic location: 14q32.2.
Variant type: single nucleotide variant.
Coding change: c.1222G>T on transcript NM_004184.4 (MANE Select); coding-DNA position 1222, G replaced by T.
Protein change: p.Glu408Ter; replaces glutamic acid 408 with a stop codon.
Molecular consequence: nonsense.
Genome position (GRCh38, 1-based): chr14:100,337,094, C>A on the plus strand (G>T on the coding strand, the complement: WARS1 is on the minus strand). VCF-style: chr14-100337094-C-A. GRCh37 (hg19) VCF-style: chr14-100803431-C-A.
Other names: c.1222G>T, p.Glu408Ter (NM_173701.2); c.1099G>T, p.Glu367Ter (NM_213645.2, NM_213646.2); short protein forms E367*, E408*.
Identifiers: ClinVar variation 4292215 (VCV004292215.1).

ClinVar aggregate classification (germline): Likely pathogenic (1 of 4 stars; one submission).

Conditions:
Neurodevelopmental disorder with microcephaly and speech delay, with or without brain abnormalities (NEDMSBA). Identifiers: MedGen C5830413, MONDO:0957218, OMIM 620317.

Submission:

3billion
Classification: Likely pathogenic for Neurodevelopmental disorder with microcephaly and speech delay, with or without brain abnormalities. Last evaluated: 2025-02-21. Review status: criteria provided, single submitter. Criteria: ACMG Guidelines, 2015. Collection method: clinical testing. Allele origin: germline. Affected: yes.
Comment: The variant is not observed in the gnomAD v4.1.0 dataset. Predicted Consequence/Location: Stop-gained (nonsense): predicted to result in a loss or disruption of normal protein function through protein truncation. The predicted truncated protein may be shortened by more than 10%. In silico tools predict the variant to alter splicing and produce an abnormal transcript [SpliceAI: 0.35 (spliceogenicity >=0.2, non-spliceogenicity <0.1)]. Therefore, this variant is classified as Likely pathogenic according to the recommendation of ACMG/AMP guideline.